The following is an entry in ClinVar:

ClinVar aggregate classification (germline): Uncertain significance (1 of 4 stars; one submission).

Conditions:
Cardiovascular phenotype. Identifiers: MedGen CN230736.

Submission:

Ambry Genetics
Classification: Uncertain significance for Cardiovascular phenotype. Last evaluated: 2026-08-29. Review status: criteria provided, single submitter. Criteria: Ambry Variant Classification Scheme 2023. Collection method: clinical testing. Allele origin: germline.
Comment: The p.E1797Q variant (also known as c.5389G>C), located in coding exon 32 of the FLNC gene, results from a G to C substitution at nucleotide position 5389. The glutamic acid at codon 1797 is replaced by glutamine, an amino acid with highly similar properties. This amino acid position is conserved. In addition, this alteration is predicted to be tolerated by in silico analysis. Based on the available evidence, the clinical significance of this variant remains unclear.

NM_001458.5(FLNC):c.5389G>C (p.Glu1797Gln)

Genes: FLNC (filamin C; plus strand), FLNC-AS1 (FLNC antisense RNA 1; minus strand). Cytogenetic location: 7q32.1.
Variant type: single nucleotide variant.
Coding change: c.5389G>C on transcript NM_001458.5 (MANE Select); coding-DNA position 5389, G replaced by C.
Protein change: p.Glu1797Gln; replaces glutamic acid 1797 with glutamine.
Molecular consequence: missense variant.
Genome position (GRCh38, 1-based): chr7:128,850,474, G>C. VCF-style: chr7-128850474-G-C. GRCh37 (hg19) VCF-style: chr7-128490528-G-C.
Other names: c.5290G>C, p.Glu1764Gln (NM_001127487.2); short protein forms E1764Q, E1797Q.
Identifiers: ClinVar variation 5021968 (VCV005021968.1).
Genomic context (GRCh38, chr7:128,850,474, plus strand): 5'-CCAATGGAGTCCATGCTGAGGCCCTTCAACCTGGTCATCCCCTTCGCGGTGCAGAAAGGG[G>C]AGCTCACAGGTACTGCCCTGTGGCTCCCAGGCATGAGGGCTGAGGGGAGAAACCCTCTTC-3'
Protein context (NP_001449.3, residues 1787-1807): LVIPFAVQKG[Glu1797Gln]LTGEVRMPSG